The following is an entry in ClinVar:

NM_001754.5(RUNX1):c.697del (p.Arg233fs)

Gene: RUNX1 (RUNX family transcription factor 1; minus strand). Cytogenetic location: 21q22.12.
Variant type: Deletion.
Coding change: c.697del on transcript NM_001754.5 (MANE Select); coding-DNA position 697, one base deleted (C; older notation c.697delC).
Protein change: p.Arg233fs; shifts the reading frame from arginine 233.
Molecular consequence: frameshift variant.
Genome position (GRCh38, 1-based): chr21:34,834,518, G deleted on the plus strand (C on the coding strand, the reverse complement: RUNX1 is on the minus strand). VCF-style (leftmost placement, unchanged base first): chr21-34834517-CG-C. GRCh37 (hg19) VCF-style: chr21-36206814-CG-C.
Other names: NM_001754.5:c.697del; c.616del, p.Arg206fs (NM_001001890.3, NM_001122607.2); short protein forms R206fs, R233fs.
Identifiers: ClinVar variation 3255396 (VCV003255396.2), dbSNP rs2517040371.

ClinVar aggregate classification (germline): Pathogenic (3 of 4 stars; one submission).

Conditions:
Hereditary thrombocytopenia and hematologic cancer predisposition syndrome. Identifiers: Orphanet 71290, MedGen CN281654, MONDO:0011071.

Submission:

ClinGen Myeloid Malignancy Variant Curation Expert Panel
Classification: Pathogenic for Hereditary thrombocytopenia and hematologic cancer predisposition syndrome. Last evaluated: 2024-03-26. Review status: reviewed by expert panel. Criteria: ClinGen MyeloMalig ACMG Specifications v2. Collection method: curation. Allele origin: germline. Inheritance: Autosomal dominant inheritance.
Comment: NM_001754.5(RUNX1):c.697del (p.Arg233AlafsTer4) is a variant which is predicted to undergo nonsense mediated decay in a gene in which loss-of-function is an established mechanism (frameshift (-) c.98-c.758 as per VCEP specifications) (PVS1). Transactivation assays demonstrating altered transactivation (<20% of wt, and/or reduced to levels similar to well-established pathogenic variants such as R201Q or R166Q) (17.93%) (PS3_moderate). This variant is completely absent from all population databases with at least 20x coverage for RUNX1 (PM2_Supporting). This variant is a nonsense/frameshift variants that is downstream of c.98 (PM5_Supporting). In summary, this variant meets criteria to be classified as pathogenic. ACMG/AMP criteria applied, as specified by the Myeloid Malignancy Variant Curation Expert Panel for RUNX1: PVS1, PS3_moderate, PM2_supporting, and PM5_supporting.

Literature cited by the submitters: PubMed 34166225.